The following is an entry in ClinVar:

NM_000051.4(ATM):c.7966C>G (p.Leu2656Val)

Genes: ATM (ATM serine/threonine kinase; plus strand), C11orf65 (chromosome 11 open reading frame 65; minus strand). Cytogenetic location: 11q22.3.
Variant type: single nucleotide variant.
Coding change: c.7966C>G on transcript NM_000051.4 (MANE Select); coding-DNA position 7966, C replaced by G.
Protein change: p.Leu2656Val; replaces leucine 2656 with valine.
Molecular consequence: missense variant. On other transcripts: intron variant (2).
Genome position (GRCh38, 1-based): chr11:108,333,924, C>G. VCF-style: chr11-108333924-C-G. GRCh37 (hg19) VCF-style: chr11-108204651-C-G.
Other names: c.7966C>G, p.Leu2656Val (NM_001351834.2); c.641-24853G>C (NM_001330368.2); c.*38+1296G>C (NM_001351110.2); short protein forms L2656V.
Identifiers: ClinVar variation 802791 (VCV000802791.13), dbSNP rs1591184384, ClinGen allele CA382561726.

ClinVar aggregate classification (germline): Uncertain significance. Review status: criteria provided, multiple submitters, no conflicts (2 of 4 stars). 5 submissions from 5 submitters: Uncertain significance (5). Last evaluated 2024-10-21.

Conditions:
Hereditary cancer-predisposing syndrome. Also called: Tumor predisposition; Neoplastic Syndromes, Hereditary; Hereditary Cancer Syndrome; Hereditary neoplastic syndrome. Identifiers: Orphanet 140162, MedGen C0027672, MeSH D009386, MONDO:0015356.
Familial cancer of breast. Also called: Hereditary breast cancer; BREAST CANCER, FAMILIAL; hereditary breast carcinoma. Identifiers: Orphanet 227535, MedGen C0346153, MONDO:0016419, OMIM 114480. Disease mechanism: loss of function.
Ataxia-telangiectasia syndrome (AT). Also called: ATAXIA-TELANGIECTASIA, COMPLEMENTATION GROUP A; ATAXIA-TELANGIECTASIA, FRESNO VARIANT; Ataxia-telangiectasia; Ataxia-telangiectasia, complementation group D; AT, COMPLEMENTATION GROUP C; Ataxia-telangiectasia, complementation group E. Identifiers: Orphanet 100, MedGen C0004135, MONDO:0008840, OMIM 208900.

Allele frequency attached by ClinVar (database versions not stated): gnomAD exomes below 0.00001.
gnomAD v4.1: 2 of 1,611,494 alleles (0.00012%); highest among the groups gnomAD compares: Non-Finnish European, 0.00017%; no homozygotes.

Submissions (5):

Labcorp Genetics (formerly Invitae), Labcorp
Classification: Uncertain significance for Ataxia-telangiectasia syndrome. Last evaluated: 2024-10-21. Review status: criteria provided, single submitter. Criteria: Invitae Variant Classification Sherloc (09022015). Collection method: clinical testing. Allele origin: germline.
Comment: This sequence change replaces leucine, which is neutral and non-polar, with valine, which is neutral and non-polar, at codon 2656 of the ATM protein (p.Leu2656Val). This variant is not present in population databases (gnomAD no frequency). This variant has not been reported in the literature in individuals affected with ATM-related conditions. ClinVar contains an entry for this variant (Variation ID: 802791). Invitae Evidence Modeling of protein sequence and biophysical properties (such as structural, functional, and spatial information, amino acid conservation, physicochemical variation, residue mobility, and thermodynamic stability) indicates that this missense variant is not expected to disrupt ATM protein function with a negative predictive value of 95%. In summary, the available evidence is currently insufficient to determine the role of this variant in disease. Therefore, it has been classified as a Variant of Uncertain Significance.

Color Diagnostics, LLC DBA Color Health
Classification: Uncertain significance for Hereditary cancer-predisposing syndrome. Last evaluated: 2024-06-03. Review status: criteria provided, single submitter. Criteria: ACMG Guidelines, 2015. Collection method: clinical testing. Allele origin: germline.
Comment: This missense variant replaces leucine with valine at codon 2656 of the ATM protein. Computational prediction suggests that this variant may not impact protein structure and function. To our knowledge, functional studies have not been reported for this variant. In an international breast cancer case-control meta-analysis, this variant was detected in 1/60466 cases and absent in 53461 unaffected controls (PMID: 33471991). This variant has not been identified in the general population by the Genome Aggregation Database (gnomAD). The available evidence is insufficient to determine the role of this variant in disease conclusively. Therefore, this variant is classified as a Variant of Uncertain Significance.

Mendelics
Classification: Uncertain significance for Ataxia-telangiectasia syndrome. Last evaluated: 2024-03-27. Review status: criteria provided, single submitter. Criteria: Mendelics Assertion Criteria 2017. Collection method: clinical testing. Allele origin: unknown.

MGZ Medical Genetics Center
Classification: Uncertain significance for Familial cancer of breast. Last evaluated: 2022-04-25. Review status: criteria provided, single submitter. Criteria: ACMG Guidelines, 2015. Collection method: clinical testing. Allele origin: germline. Affected: yes. Observed: 1 variant allele.
Comment: ACMG criteria applied: PM2_SUP

Ambry Genetics
Classification: Uncertain significance for Hereditary cancer-predisposing syndrome. Last evaluated: 2020-03-18. Review status: criteria provided, single submitter. Criteria: Ambry Variant Classification Scheme 2023. Collection method: clinical testing. Allele origin: germline.
Comment: The p.L2656V variant (also known as c.7966C>G), located in coding exon 53 of the ATM gene, results from a C to G substitution at nucleotide position 7966. The leucine at codon 2656 is replaced by valine, an amino acid with highly similar properties. This amino acid position is well conserved in available vertebrate species. In addition, the in silico prediction for this alteration is inconclusive. Since supporting evidence is limited at this time, the clinical significance of this alteration remains unclear.

Literature cited by the submitters: PubMed 33471991 (cited by Color Diagnostics, LLC DBA Color Health).